The following is an entry in ClinVar:

NM_001128840.3(CACNA1D):c.62C>G (p.Ala21Gly)

Gene: CACNA1D (calcium voltage-gated channel subunit alpha1 D; plus strand). Cytogenetic location: 3p21.1.
Variant type: single nucleotide variant.
Coding change: c.62C>G on transcript NM_001128840.3 (MANE Select); coding-DNA position 62, C replaced by G.
Protein change: p.Ala21Gly; replaces alanine 21 with glycine.
Molecular consequence: missense variant.
Genome position (GRCh38, 1-based): chr3:53,495,228, C>G. VCF-style: chr3-53495228-C-G. GRCh37 (hg19) VCF-style: chr3-53529255-C-G.
Other names: c.62C>G, p.Ala21Gly (NM_000720.4, NM_001128839.3); short protein forms A21G.
Identifiers: ClinVar variation 2771525 (VCV002771525.3), dbSNP rs2090293548, ClinGen allele CA353381646.

ClinVar aggregate classification (germline): Uncertain significance (1 of 4 stars; one submission).

Allele frequency attached by ClinVar (database versions not stated): gnomAD 0.00001.
gnomAD v4.1: 1 of 1,613,622 alleles (0.000062%); no homozygotes.

Submission:

Labcorp Genetics (formerly Invitae), Labcorp
Classification: Uncertain significance. Last evaluated: 2023-10-24. Review status: criteria provided, single submitter. Criteria: Invitae Variant Classification Sherloc (09022015). Collection method: clinical testing. Allele origin: germline.
Comment: This sequence change replaces alanine, which is neutral and non-polar, with glycine, which is neutral and non-polar, at codon 21 of the CACNA1D protein (p.Ala21Gly). This variant is not present in population databases (gnomAD no frequency). This variant has not been reported in the literature in individuals affected with CACNA1D-related conditions. An algorithm developed to predict the effect of missense changes on protein structure and function (PolyPhen-2) suggests that this variant is likely to be tolerated. In summary, the available evidence is currently insufficient to determine the role of this variant in disease. Therefore, it has been classified as a Variant of Uncertain Significance.